The following is an entry in ClinVar:

NM_000059.4(BRCA2):c.517-1G>A

Gene: BRCA2 (BRCA2 DNA repair associated; plus strand). Cytogenetic location: 13q13.1.
Variant type: single nucleotide variant.
Coding change: c.517-1G>A on transcript NM_000059.4 (MANE Select); the canonical splice acceptor site of the intron before coding-DNA position 517, G replaced by A.
Molecular consequence: splice acceptor variant.
Genome position (GRCh38, 1-based): chr13:32,326,498, G>A. VCF-style: chr13-32326498-G-A. GRCh37 (hg19) VCF-style: chr13-32900635-G-A.
Other names: IVS6-1G>A; c.517-1G>A (NM_001406720.1, NM_001406719.1, NM_001406721.1); c.148-1G>A (NM_001406722.1).
Identifiers: ClinVar variation 51800 (VCV000051800.24), dbSNP rs81002849, ClinGen allele CA021567.
Genomic context (GRCh38, chr13:32,326,498, plus strand): 5'-AATAATATCCTTAATGATCAGGGCATTTCTATAAAAAATAAACTATTTTCTTTCCTCCCA[G>A]GGTCGTCAGACACCAAAACATATTTCTGAAAGTCTAGGAGCTGAGGTGGATCCTGATATG-3'

ClinVar aggregate classification (germline): Pathogenic. Review status: criteria provided, multiple submitters, no conflicts (2 of 4 stars). 8 submissions from 8 submitters: Pathogenic (7). 1 of the submissions does not count toward it. Last evaluated 2025-03-09.

Conditions:
Hereditary cancer-predisposing syndrome. Also called: Neoplastic Syndromes, Hereditary; Tumor predisposition; Hereditary neoplastic syndrome; Hereditary Cancer Syndrome. Identifiers: Orphanet 140162, MedGen C0027672, MeSH D009386, MONDO:0015356.
Hereditary breast ovarian cancer syndrome. Also called: Hereditary breast and ovarian cancer syndrome; Hereditary breast and ovarian cancer; Hereditary breast and ovarian cancer syndrome (HBOC); Breast and ovarian cancer; Hereditary breast and/or ovarian cancer syndrome; BRCA1- and BRCA2-Associated Hereditary Breast and Ovarian Cancer. Identifiers: Orphanet 145, MedGen C0677776, MeSH D061325, MONDO:0003582. Disease mechanism: loss of function.
Familial cancer of breast. Also called: BREAST CANCER, FAMILIAL; Hereditary breast cancer; hereditary breast carcinoma. Identifiers: Orphanet 227535, MedGen C0346153, MONDO:0016419, OMIM 114480. Disease mechanism: loss of function.
Breast-ovarian cancer, familial, susceptibility to, 2 (BROVCA2). Also called: BRCA2 Hereditary Breast and Ovarian Cancer. Identifiers: Orphanet 145, MedGen C2675520, MONDO:0012933, OMIM 612555. Disease mechanism: loss of function.

Submissions (8):

Labcorp Genetics (formerly Invitae), Labcorp
Classification: Pathogenic for Hereditary breast ovarian cancer syndrome. Last evaluated: 2025-03-09. Review status: criteria provided, single submitter. Criteria: Invitae Variant Classification Sherloc (09022015). Collection method: clinical testing. Allele origin: germline.
Comment: This sequence change affects an acceptor splice site in intron 6 of the BRCA2 gene. RNA analysis indicates that disruption of this splice site induces altered splicing and may result in an absent or altered protein product. This variant is not present in population databases (gnomAD no frequency). Disruption of this splice site has been observed in individual(s) with breast cancer (PMID: 22425665). ClinVar contains an entry for this variant (Variation ID: 51800). Studies have shown that disruption of this splice site alters mRNA splicing and is expected to lead to the loss of protein expression (PMID: 21735045, 30883759; internal data). For these reasons, this variant has been classified as Pathogenic.

Ambry Genetics
Classification: Pathogenic for Hereditary cancer-predisposing syndrome. Last evaluated: 2024-10-09. Review status: criteria provided, single submitter. Criteria: Ambry Variant Classification Scheme 2023. Collection method: clinical testing. Allele origin: germline.
Comment: The c.517-1G>A intronic pathogenic mutation (also known as 745-1G>A or IVS6-1G>A) results from a G to A substitution one nucleotide before coding exon 6 of the BRCA2 gene. This mutation was shown to cause the skipping of coding exon 6 (described as exon 7) by RT-PCR analysis (Menendez M et al. Breast Cancer Res Treat. 2012 Apr;132(3):979-92). This alteration is also shown to result in the loss of a single nucleotide at the 5' end of coding exon 6 in the mRNA (Ambry internal data; Fraile-Bethencourt E et al. J Pathol, 2019 08;248:409-420). This variant is considered to be rare based on population cohorts in the Genome Aggregation Database (gnomAD). In addition to the clinical data presented in the literature, alterations that disrupt the canonical splice site are expected to cause aberrant splicing, resulting in an abnormal protein or a transcript that is subject to nonsense-mediated mRNA decay. As such, this alteration is classified as a disease-causing mutation.

Baylor Genetics
Classification: Pathogenic for Familial cancer of breast. Last evaluated: 2024-02-02. Review status: criteria provided, single submitter. Criteria: ACMG Guidelines, 2015. Collection method: clinical testing. Allele origin: unknown.

GeneDx
Classification: Pathogenic. Last evaluated: 2021-02-18. Review status: criteria provided, single submitter. Criteria: GeneDx Variant Classification Process June 2021. Collection method: clinical testing. Allele origin: germline. Affected: yes.
Comment: Canonical splice site variant demonstrated to result in exon 7 skipping, leading to a null allele in a gene for which loss-of-function is a known mechanism of disease (Menndez 2012, Fraile-Bethencourt 2019); Observed in an individual with breast cancer (Tazzite 2012); Not observed in large population cohorts (Lek 2016); Truncating variants in this gene are considered pathogenic by a well-established clinical consortium and/or database; Also known as 745-1G>A; This variant is associated with the following publications: (PMID: 30883759, 29446198, 24606420, 23697973, 30263132, 26295337, 22425665, 21735045)

Mendelics
Classification: Pathogenic for Hereditary breast and ovarian cancer syndrome. Last evaluated: 2018-07-02. Review status: criteria provided, single submitter. Criteria: Mendelics Assertion Criteria 2017. Collection method: clinical testing. Allele origin: unknown.

Consortium of Investigators of Modifiers of BRCA1/2 (CIMBA), c/o University of Cambridge
Classification: Pathogenic for Breast-ovarian cancer, familial, susceptibility to, 2. Last evaluated: 2015-10-02. Review status: criteria provided, single submitter. Criteria: CIMBA Mutation Classification guidelines May 2016. Collection method: clinical testing. Allele origin: germline.

Quest Diagnostics Nichols Institute San Juan Capistrano
Classification: Pathogenic for Breast-ovarian cancer, familial, susceptibility to, 2. Last evaluated: 2015-09-22. Review status: criteria provided, single submitter. Criteria: Quest Diagnostics criteria. Collection method: clinical testing. Allele origin: germline. Inheritance: Autosomal dominant inheritance.

Breast Cancer Information Core (BIC) (BRCA2)
Classification: Pathogenic for Breast-ovarian cancer, familial 2. Last evaluated: 2004-02-20. Review status: no assertion criteria provided. Collection method: clinical testing. Allele origin: germline. Affected: yes. Observed: 1 variant allele. Not counted in ClinVar's aggregate classification.

Literature cited by the submitters: PubMed 22425665 (cited by Labcorp Genetics (formerly Invitae), Labcorp and Quest Diagnostics Nichols Institute San Juan Capistrano); PubMed 21735045 (cited by Labcorp Genetics (formerly Invitae), Labcorp and Quest Diagnostics Nichols Institute San Juan Capistrano); PubMed 30883759 (cited by Labcorp Genetics (formerly Invitae), Labcorp and Ambry Genetics); PubMed 26295337 (cited by Quest Diagnostics Nichols Institute San Juan Capistrano).